The following is an entry in ClinVar:

ClinVar aggregate classification (germline): Uncertain significance (1 of 4 stars; one submission).

Submission:

Labcorp Genetics (formerly Invitae), Labcorp
Classification: Uncertain significance. Last evaluated: 2024-04-24. Review status: criteria provided, single submitter. Criteria: Invitae Variant Classification Sherloc (09022015). Collection method: clinical testing. Allele origin: germline.
Comment: This sequence change replaces aspartic acid, which is acidic and polar, with histidine, which is basic and polar, at codon 203 of the POLE protein (p.Asp203His). This variant is not present in population databases (gnomAD no frequency). This variant has not been reported in the literature in individuals affected with POLE-related conditions. Advanced modeling of protein sequence and biophysical properties (such as structural, functional, and spatial information, amino acid conservation, physicochemical variation, residue mobility, and thermodynamic stability) performed at Invitae indicates that this missense variant is not expected to disrupt POLE protein function with a negative predictive value of 80%. In summary, the available evidence is currently insufficient to determine the role of this variant in disease. Therefore, it has been classified as a Variant of Uncertain Significance.

NM_006231.4(POLE):c.607G>C (p.Asp203His)

Gene: POLE (DNA polymerase epsilon, catalytic subunit; minus strand). Cytogenetic location: 12q24.33.
Variant type: single nucleotide variant.
Coding change: c.607G>C on transcript NM_006231.4 (MANE Select); coding-DNA position 607, G replaced by C.
Protein change: p.Asp203His; replaces aspartic acid 203 with histidine.
Molecular consequence: missense variant.
Genome position (GRCh38, 1-based): chr12:132,677,691, C>G on the plus strand (G>C on the coding strand, the complement: POLE is on the minus strand). VCF-style: chr12-132677691-C-G. GRCh37 (hg19) VCF-style: chr12-133254277-C-G.
Other names: short protein forms D203H.
Identifiers: ClinVar variation 3650733 (VCV003650733.2).